The following is an entry in ClinVar:

NM_000051.4(ATM):c.498A>T (p.Glu166Asp)

Gene: ATM (ATM serine/threonine kinase; plus strand). Cytogenetic location: 11q22.3.
Variant type: single nucleotide variant.
Coding change: c.498A>T on transcript NM_000051.4 (MANE Select); coding-DNA position 498, A replaced by T.
Protein change: p.Glu166Asp; replaces glutamic acid 166 with aspartic acid.
Molecular consequence: missense variant.
Genome position (GRCh38, 1-based): chr11:108,243,954, A>T. VCF-style: chr11-108243954-A-T. GRCh37 (hg19) VCF-style: chr11-108114681-A-T.
Other names: c.498A>T, p.Glu166Asp (NM_001351834.2); short protein forms E166D.
Identifiers: ClinVar variation 481115 (VCV000481115.22), dbSNP rs587779842, ClinGen allele CA6264625.

ClinVar aggregate classification (germline): Conflicting classifications of pathogenicity. Review status: criteria provided, conflicting classifications (1 of 4 stars). 7 submissions from 7 submitters: Uncertain significance (4); Likely benign (2). 1 of the submissions does not count toward it. Last evaluated 2025-12-13.

Conditions:
Hereditary cancer-predisposing syndrome. Also called: Hereditary Cancer Syndrome; Tumor predisposition; Neoplastic Syndromes, Hereditary; Hereditary neoplastic syndrome. Identifiers: Orphanet 140162, MedGen C0027672, MeSH D009386, MONDO:0015356.
Ataxia-telangiectasia syndrome (AT). Also called: LOUIS-BAR SYNDROME; Ataxia telangiectasia (A-T); Cerebello-oculocutaneous telangiectasia; Immunodeficiency with ataxia telangiectasia; Ataxia-telangiectasia, complementation group E; ATAXIA-TELANGIECTASIA, COMPLEMENTATION GROUP A. Identifiers: Orphanet 100, MedGen C0004135, MONDO:0008840, OMIM 208900.
Familial cancer of breast. Also called: BREAST CANCER, FAMILIAL; Hereditary breast cancer; hereditary breast carcinoma. Identifiers: Orphanet 227535, MedGen C0346153, MONDO:0016419, OMIM 114480. Disease mechanism: loss of function.
ATM-related cancer predisposition. Also called: ATM-related cancer susceptibility. Identifiers: MedGen CN377759, MONDO:0700270.

Allele frequency attached by ClinVar (database versions not stated): ExAC 0.00003.

Submissions (7):

Labcorp Genetics (formerly Invitae), Labcorp
Classification: Uncertain significance for Ataxia-telangiectasia syndrome. Last evaluated: 2025-12-13. Review status: criteria provided, single submitter. Criteria: Invitae Variant Classification Sherloc (09022015). Collection method: clinical testing. Allele origin: germline.
Comment: This sequence change replaces glutamic acid, which is acidic and polar, with aspartic acid, which is acidic and polar, at codon 166 of the ATM protein (p.Glu166Asp). The frequency data for this variant in the population databases is considered unreliable, as metrics indicate poor data quality at this position in the gnomAD database. This missense change has been observed in individual(s) with breast and/or ovarian cancer patient (PMID: 29470806). ClinVar contains an entry for this variant (Variation ID: 481115). An algorithm developed to predict the effect of missense changes on protein structure and function (PolyPhen-2) suggests that this variant is likely to be tolerated. In summary, the available evidence is currently insufficient to determine the role of this variant in disease. Therefore, it has been classified as a Variant of Uncertain Significance.

Ambry Genetics
Classification: Likely benign for Hereditary cancer-predisposing syndrome. Last evaluated: 2024-10-17. Review status: criteria provided, single submitter. Criteria: Ambry Variant Classification Scheme 2023. Collection method: clinical testing. Allele origin: germline.

Color Diagnostics, LLC DBA Color Health
Classification: Uncertain significance for Hereditary cancer-predisposing syndrome. Last evaluated: 2023-11-20. Review status: criteria provided, single submitter. Criteria: ACMG Guidelines, 2015. Collection method: clinical testing. Allele origin: germline.
Comment: This missense variant replaces glutamic acid with aspartic acid at codon 166 of the ATM protein. Computational prediction suggests that this variant may not impact protein structure and function (internally defined REVEL score threshold <= 0.5, PMID: 27666373). To our knowledge, functional studies have not been reported for this variant. This variant has been reported in an individual affected with breast and/or ovarian cancer (PMID: 29470806). This variant has not been identified in the general population by the Genome Aggregation Database (gnomAD). The available evidence is insufficient to determine the role of this variant in disease conclusively. Therefore, this variant is classified as a Variant of Uncertain Significance.

Baylor Genetics
Classification: Uncertain significance for Familial cancer of breast. Last evaluated: 2022-04-12. Review status: criteria provided, single submitter. Criteria: ACMG Guidelines, 2015. Collection method: clinical testing. Allele origin: unknown.

Department of Pathology and Laboratory Medicine, Sinai Health System
Classification: Likely benign for ATM-related cancer predisposition. Last evaluated: 2020-09-23. Review status: criteria provided, single submitter. Criteria: ACMG Guidelines, 2015. Collection method: clinical testing. Allele origin: germline. Affected: no.

Mendelics
Classification: Uncertain significance for Ataxia-telangiectasia syndrome. Last evaluated: 2019-05-28. Review status: criteria provided, single submitter. Criteria: Mendelics Assertion Criteria 2017. Collection method: clinical testing. Allele origin: unknown.

Natera, Inc.
Classification: Uncertain significance for Ataxia-telangiectasia. Last evaluated: 2020-03-30. Review status: no assertion criteria provided. Collection method: clinical testing. Allele origin: germline. Not counted in ClinVar's aggregate classification.

Literature cited by the submitters: PubMed 29470806 (cited by 4 submitters).